The following is an entry in ClinVar:

ClinVar aggregate classification (germline): Likely benign (1 of 4 stars; one submission).

Allele frequency attached by ClinVar (database versions not stated): ESP Exome Variant Server 0.00009; TOPMed 0.00013; gnomAD 0.00015; ExAC 0.00025; gnomAD exomes 0.00027.
gnomAD v4.1: 315 of 1,210,516 alleles (0.026%); highest among the groups gnomAD compares: Non-Finnish European, 0.033%; no homozygotes.

Submission:

CeGaT Center for Human Genetics Tuebingen
Classification: Likely benign. Last evaluated: 2022-04-01. Review status: criteria provided, single submitter. Criteria: CeGaT Center For Human Genetics Tuebingen Variant Classification Criteria Version 2. Collection method: clinical testing. Allele origin: germline. Affected: yes. Observed: 1 variant allele.
Comment: MAGEB6: BP4, BP7

NM_173523.2(MAGEB6):c.615C>T (p.Phe205=)

Gene: MAGEB6 (MAGE family member B6; plus strand). Cytogenetic location: Xp21.3.
Variant type: single nucleotide variant.
Coding change: c.615C>T on transcript NM_173523.2 (MANE Select); coding-DNA position 615, C replaced by T.
Protein change: p.Phe205=; no amino-acid change (phenylalanine 205 retained).
Molecular consequence: synonymous variant.
Genome position (GRCh38, 1-based): chrX:26,194,461, C>T. VCF-style: chrX-26194461-C-T. GRCh37 (hg19) VCF-style: chrX-26212578-C-T.
Identifiers: ClinVar variation 2660207 (VCV002660207.24), dbSNP rs367835358, ClinGen allele CA10374421.